The following is an entry in ClinVar:

NM_000368.5(TSC1):c.2013C>T (p.Ser671=)

Gene: TSC1 (TSC complex subunit 1; minus strand). Cytogenetic location: 9q34.13.
Variant type: single nucleotide variant.
Coding change: c.2013C>T on transcript NM_000368.5 (MANE Select); coding-DNA position 2013, C replaced by T.
Protein change: p.Ser671=; no amino-acid change (serine 671 retained).
Molecular consequence: synonymous variant. On other transcripts: non-coding transcript variant (5).
Genome position (GRCh38, 1-based): chr9:132,904,439, G>A on the plus strand (C>T on the coding strand, the complement: TSC1 is on the minus strand). VCF-style: chr9-132904439-G-A. GRCh37 (hg19) VCF-style: chr9-135779826-G-A.
Other names: c.2013C>T, p.Ser671= (NM_001406595.1, NM_001406596.1, NM_001406601.1 and 7 more transcripts); c.2010C>T, p.Ser670= (NM_001406600.1, NM_001406603.1, NM_001406597.1 and 6 more transcripts); c.1860C>T, p.Ser620= (NM_001162427.2, NM_001406610.1); c.1650C>T, p.Ser550= (NM_001362177.2, NM_001406614.1, NM_001406615.1 and 5 more transcripts); c.1857C>T, p.Ser619= (NM_001406611.1, NM_001406612.1, NM_001406613.1); c.1647C>T, p.Ser549= (NM_001406620.1, NM_001406621.1, NM_001406622.1 and 2 more transcripts); c.1062C>T, p.Ser354= (NM_001406626.1); c.1059C>T, p.Ser353= (NM_001406627.1, NM_001406628.1); and 1 more.
Identifiers: ClinVar variation 3231288 (VCV003231288.3), dbSNP rs1845545985, ClinGen allele CA467590816.

ClinVar aggregate classification (germline): Conflicting classifications of pathogenicity. Review status: criteria provided, conflicting classifications (1 of 4 stars). 2 submissions from 2 submitters: Uncertain significance (1); Likely benign (1). Last evaluated 2024-11-06.

Conditions:
Tuberous sclerosis 1 (TSC1). Identifiers: Orphanet 805, MedGen C1854465, MONDO:0008612, OMIM 191100.
Hereditary cancer-predisposing syndrome. Also called: Hereditary Cancer Syndrome; Tumor predisposition; Neoplastic Syndromes, Hereditary; Hereditary neoplastic syndrome. Identifiers: Orphanet 140162, MedGen C0027672, MeSH D009386, MONDO:0015356.

Submissions (2):

Labcorp Genetics (formerly Invitae), Labcorp
Classification: Uncertain significance for Tuberous sclerosis 1. Last evaluated: 2024-11-06. Review status: criteria provided, single submitter. Criteria: Invitae Variant Classification Sherloc (09022015). Collection method: clinical testing. Allele origin: germline.
Comment: This sequence change affects codon 671 of the TSC1 mRNA. It is a 'silent' change, meaning that it does not change the encoded amino acid sequence of the TSC1 protein. This variant is not present in population databases (gnomAD no frequency). This variant has not been reported in the literature in individuals affected with TSC1-related conditions. ClinVar contains an entry for this variant (Variation ID: 3231288). Algorithms developed to predict the effect of sequence changes on RNA splicing suggest that this variant may disrupt the consensus splice site. In summary, the available evidence is currently insufficient to determine the role of this variant in disease. Therefore, it has been classified as a Variant of Uncertain Significance.

Ambry Genetics
Classification: Likely benign for Hereditary cancer-predisposing syndrome. Last evaluated: 2024-01-17. Review status: criteria provided, single submitter. Criteria: Ambry Variant Classification Scheme 2023. Collection method: clinical testing. Allele origin: germline.